The following is an entry in ClinVar:

ClinVar aggregate classification (germline): Uncertain significance (1 of 4 stars; one submission).

Submission:

Centre for Mendelian Genomics, University Medical Centre Ljubljana
Classification: Uncertain significance. Last evaluated: 2019-07-02. Review status: criteria provided, single submitter. Criteria: ACMG Guidelines, 2015. Collection method: clinical testing. Allele origin: unknown. Affected: yes.
Comment: This variant was classified as: Uncertain significance. The available evidence on this variant's pathogenicity is insufficient or conflicting. The following ACMG criteria were applied in classifying this variant: PM2,BS2. This variant was detected in homozygous state.

NC_012920.1(MT-TV):m.1658_1659dup

Gene: MT-TV (mitochondrially encoded tRNA valine; plus strand).
Variant type: Duplication.
Genome position: chrM-1657-C-CTT.
Identifiers: ClinVar variation 930365 (VCV000930365.3), dbSNP rs2068678676, ClinGen allele CA1139667970.